The following is an entry in ClinVar:

ClinVar aggregate classification (germline): Uncertain significance (1 of 4 stars; one submission).

Conditions:
Inborn genetic diseases. Identifiers: MedGen C0950123, MeSH D030342.

Allele frequency attached by ClinVar (database versions not stated): TOPMed below 0.00001.

Submission:

Ambry Genetics
Classification: Uncertain significance for Inborn genetic diseases. Last evaluated: 2022-04-27. Review status: criteria provided, single submitter. Criteria: Ambry Variant Classification Scheme 2023. Collection method: clinical testing. Allele origin: germline.
Comment: The c.801+3A>G intronic alteration consists of a A to G substitution 3 nucleotides after exon 9 of the NUP107 gene. Based on insufficient or conflicting evidence, the clinical significance of this alteration remains unclear.

NM_020401.4(NUP107):c.801+3A>G

Gene: NUP107 (nucleoporin 107; plus strand). Cytogenetic location: 12q15.
Variant type: single nucleotide variant.
Coding change: c.801+3A>G on transcript NM_020401.4 (MANE Select); 3 bases into the intron after coding-DNA position 801, A replaced by G.
Molecular consequence: intron variant.
Genome position (GRCh38, 1-based): chr12:68,709,312, A>G. VCF-style: chr12-68709312-A-G. GRCh37 (hg19) VCF-style: chr12-69103092-A-G.
Other names: c.714+3A>G (NM_001330192.2).
Identifiers: ClinVar variation 2281318 (VCV002281318.2), dbSNP rs1219545427, ClinGen allele CA691306066.